The following is an entry in ClinVar:

ClinVar aggregate classification (germline): Pathogenic. Review status: criteria provided, single submitter (1 of 4 stars). 5 submissions from 2 submitters: Pathogenic (1). 4 of the submissions do not count toward it. Last evaluated 2021-10-23.

Conditions:
Multiple epiphyseal dysplasia type 4 (EDM4). Also called: MULTIPLE EPIPHYSEAL DYSPLASIA WITH BILAYERED PATELLAE; MULTIPLE EPIPHYSEAL DYSPLASIA WITH CLUBFOOT; MULTIPLE EPIPHYSEAL DYSPLASIA, AUTOSOMAL RECESSIVE; Multiple Epiphyseal Dysplasia, Recessive; SLC26A2-Related Multiple Epiphyseal Dysplasia. Identifiers: Orphanet 93307, MedGen C1847593, MONDO:0009189, OMIM 226900.
Diastrophic dysplasia (DTD). Also called: Diastrophic dwarfism. Identifiers: Orphanet 628, MedGen C0220726, MONDO:0009107, OMIM 222600.
Achondrogenesis, type IB (ACG1B). Also called: Achondrogenesis Type 1B. Identifiers: Orphanet 932, Orphanet 93298, MedGen C0265274, MONDO:0010966, OMIM 600972.
Atelosteogenesis type II (AO2). Also called: NEONATAL OSSEOUS DYSPLASIA I; Neonatal osseous dysplasia 1; SLC26A2-Related Atelosteogenesis. Identifiers: Orphanet 56304, MedGen C1850554, MONDO:0009727, OMIM 256050.

Submissions (5):

Labcorp Genetics (formerly Invitae), Labcorp
Classification: Pathogenic for Atelosteogenesis type II; Multiple epiphyseal dysplasia type 4; Achondrogenesis, type IB; Diastrophic dysplasia. Last evaluated: 2021-10-23. Review status: criteria provided, single submitter. Criteria: Invitae Variant Classification Sherloc (09022015). Collection method: clinical testing. Allele origin: germline.
Comment: For these reasons, this variant has been classified as Pathogenic. ClinVar contains an entry for this variant (Variation ID: 371749). This variant has not been reported in the literature in individuals affected with SLC26A2-related conditions. This variant is not present in population databases (ExAC no frequency). This sequence change creates a premature translational stop signal (p.Pro82Alafs*9) in the SLC26A2 gene. It is expected to result in an absent or disrupted protein product. Loss-of-function variants in SLC26A2 are known to be pathogenic (PMID: 7923357, 10482955, 11241838).

Counsyl
Classification: Likely pathogenic for Diastrophic dysplasia. Last evaluated: 2016-06-17. Review status: no assertion criteria provided. Collection method: clinical testing. Allele origin: unknown. Not counted in ClinVar's aggregate classification.

Counsyl
Classification: Likely pathogenic for Multiple epiphyseal dysplasia type 4. Last evaluated: 2016-06-17. Review status: no assertion criteria provided. Collection method: clinical testing. Allele origin: unknown. Not counted in ClinVar's aggregate classification.

Counsyl
Classification: Likely pathogenic for Atelosteogenesis type II. Last evaluated: 2016-06-17. Review status: no assertion criteria provided. Collection method: clinical testing. Allele origin: unknown. Not counted in ClinVar's aggregate classification.

Counsyl
Classification: Likely pathogenic for Achondrogenesis, type IB. Last evaluated: 2016-06-17. Review status: no assertion criteria provided. Collection method: clinical testing. Allele origin: unknown. Not counted in ClinVar's aggregate classification.

Literature cited by the submitters: PubMed 7923357 (cited by Labcorp Genetics (formerly Invitae), Labcorp); PubMed 10482955 (cited by Labcorp Genetics (formerly Invitae), Labcorp); PubMed 11241838 (cited by Labcorp Genetics (formerly Invitae), Labcorp).

NM_000112.4(SLC26A2):c.239_243dup (p.Pro82fs)

Gene: SLC26A2 (solute carrier family 26 member 2; plus strand). Cytogenetic location: 5q32.
Variant type: Duplication.
Coding change: c.239_243dup on transcript NM_000112.4 (MANE Select); coding-DNA positions 239 to 243, 5 bases duplicated (GCAGT; older notation c.239_243dupGCAGT).
Protein change: p.Pro82fs; shifts the reading frame from proline 82.
Molecular consequence: frameshift variant.
Genome position (GRCh38, 1-based): chr5:149,977,891-149,977,895, GCAGT duplicated; duplicating any 5 consecutive bases within chr5:149,977,887-149,977,895 gives the same sequence; the c. name uses the placement nearest the transcript's 3' end. VCF-style (leftmost placement, unchanged base first): chr5-149977886-C-CCAGTG. GRCh37 (hg19) VCF-style: chr5-149357449-C-CCAGTG.
Other names: short protein forms P82fs.
Identifiers: ClinVar variation 371749 (VCV000371749.11), dbSNP rs1057517504, ClinGen allele CA16040987.